The following is an entry in ClinVar:

NM_005881.4(BCKDK):c.851C>T (p.Thr284Ile)

Gene: BCKDK (branched chain keto acid dehydrogenase kinase; plus strand). Cytogenetic location: 16p11.2.
Variant type: single nucleotide variant.
Coding change: c.851C>T on transcript NM_005881.4 (MANE Select); coding-DNA position 851, C replaced by T.
Protein change: p.Thr284Ile; replaces threonine 284 with isoleucine.
Molecular consequence: missense variant. On other transcripts: intron variant (1).
Genome position (GRCh38, 1-based): chr16:31,111,305, C>T. VCF-style: chr16-31111305-C-T. GRCh37 (hg19) VCF-style: chr16-31122626-C-T.
Other names: c.851C>T, p.Thr284Ile (NM_001122957.4); c.845+86C>T (NM_001271926.3); c.851C>T (NM_005881.2); short protein forms T284I.
Identifiers: ClinVar variation 846730 (VCV000846730.12), dbSNP rs371078966, ClinGen allele CA8021719.

ClinVar aggregate classification (germline): Uncertain significance. Review status: criteria provided, multiple submitters, no conflicts (2 of 4 stars). 3 submissions from 3 submitters: Uncertain significance (3). Last evaluated 2025-06-10.

Conditions:
Branched-chain keto acid dehydrogenase kinase deficiency (BCKDKD). Also called: BCKDK DEFICIENCY. Identifiers: Orphanet 308410, MedGen C3554078, MONDO:0013970, OMIM 614923.
Inborn genetic diseases. Identifiers: MedGen C0950123, MeSH D030342.

Allele frequency attached by ClinVar (database versions not stated): ExAC 0.00002; gnomAD exomes 0.00003; TOPMed 0.00006; gnomAD 0.00007; ESP Exome Variant Server 0.00008.

Submissions (3):

GeneDx
Classification: Uncertain significance. Last evaluated: 2025-06-10. Review status: criteria provided, single submitter. Criteria: GeneDx Variant Classification Process June 2021. Collection method: clinical testing. Allele origin: germline. Affected: yes.
Comment: In silico analysis supports that this missense variant has a deleterious effect on protein structure/function; Has not been previously published as pathogenic or benign to our knowledge

Ambry Genetics
Classification: Uncertain significance for Inborn genetic diseases. Last evaluated: 2021-07-13. Review status: criteria provided, single submitter. Criteria: Ambry Variant Classification Scheme 2023. Collection method: clinical testing. Allele origin: germline.

Labcorp Genetics (formerly Invitae), Labcorp
Classification: Uncertain significance for Branched-chain keto acid dehydrogenase kinase deficiency. Last evaluated: 2019-01-28. Review status: criteria provided, single submitter. Criteria: Invitae Variant Classification Sherloc (09022015). Collection method: clinical testing. Allele origin: germline.
Comment: In summary, the available evidence is currently insufficient to determine the role of this variant in disease. Therefore, it has been classified as a Variant of Uncertain Significance. Algorithms developed to predict the effect of missense changes on protein structure and function (SIFT, PolyPhen-2, Align-GVGD) all suggest that this variant is likely to be disruptive, but these predictions have not been confirmed by published functional studies and their clinical significance is uncertain. This variant has not been reported in the literature in individuals with BCKDK-related conditions. This variant is present in population databases (rs371078966, ExAC 0.003%). This sequence change replaces threonine with isoleucine at codon 284 of the BCKDK protein (p.Thr284Ile). The threonine residue is highly conserved and there is a moderate physicochemical difference between threonine and isoleucine.